The following is an entry in ClinVar:

NM_001163435.3(TBCK):c.194-6T>G

Gene: TBCK (TBC1 domain containing kinase; minus strand). Cytogenetic location: 4q24.
Variant type: single nucleotide variant.
Coding change: c.194-6T>G on transcript NM_001163435.3 (MANE Select); 6 bases into the intron before coding-DNA position 194, T replaced by G.
Molecular consequence: intron variant.
Genome position (GRCh38, 1-based): chr4:106,295,172, A>C on the plus strand (T>G on the coding strand, the complement: TBCK is on the minus strand). VCF-style: chr4-106295172-A-C. GRCh37 (hg19) VCF-style: chr4-107216329-A-C.
Other names: c.194-6T>G (NM_001163436.4, NM_033115.5, NM_001163437.3); c.-424-6T>G (NM_001290768.2).
Identifiers: ClinVar variation 3043986 (VCV003043986.2), dbSNP rs1462618056, ClinGen allele CA553857222.

ClinVar aggregate classification (germline): Likely benign (0 of 4 stars; one submission).

Conditions:
TBCK-related disorder. Also called: TBCK-related disorders; TBCK-related condition.

gnomAD v4.1: 15 of 1,609,796 alleles (0.00093%); highest among the groups gnomAD compares: Non-Finnish European, 0.0012%; no homozygotes.

Submission:

PreventionGenetics, part of Exact Sciences
Classification: Likely benign for TBCK-related condition. Last evaluated: 2019-06-05. Review status: no assertion criteria provided. Collection method: clinical testing. Allele origin: germline.
Comment: This variant is classified as likely benign based on ACMG/AMP sequence variant interpretation guidelines (Richards et al. 2015 PMID: 25741868, with internal and published modifications).